The following is an entry in ClinVar:

ClinVar aggregate classification (germline): Benign. Review status: criteria provided, multiple submitters, no conflicts (2 of 4 stars). 8 submissions from 8 submitters: Benign (8). Last evaluated 2026-02-04.

Conditions:
Congenital myasthenic syndrome 8. Also called: Myasthenic syndrome, congenital, 8, with pre- and postsynaptic defects; MYASTHENIC SYNDROME, CONGENITAL, DUE TO AGRIN DEFICIENCY. Identifiers: Orphanet 590, MedGen C3808739, MONDO:0014052, OMIM 615120.

Allele frequency attached by ClinVar (database versions not stated): 1000 Genomes Project 0.28255; 1000 Genomes Project 30x 0.28279; TOPMed 0.28863; gnomAD 0.30662 and 0.30814; gnomAD exomes 0.34285; ExAC 0.42418.
gnomAD v4.1: 460,451 of 1,393,132 alleles (33%); highest among the groups gnomAD compares: Non-Finnish European, 34%; 77,454 homozygotes.

Submissions (8):

Labcorp Genetics (formerly Invitae), Labcorp
Classification: Benign for Congenital myasthenic syndrome 8. Last evaluated: 2026-02-04. Review status: criteria provided, single submitter. Criteria: Invitae Variant Classification Sherloc (09022015). Collection method: clinical testing. Allele origin: germline.

Blueprint Genetics
Classification: Benign. Last evaluated: 2024-11-26. Review status: criteria provided, single submitter. Criteria: ACMG Guidelines, 2015. Collection method: clinical testing. Allele origin: germline.

Genome-Nilou Lab
Classification: Benign for Congenital myasthenic syndrome 8. Last evaluated: 2021-07-14. Review status: criteria provided, single submitter. Criteria: ACMG Guidelines, 2015. Collection method: clinical testing. Allele origin: germline. Affected: no.

Mayo Clinic Laboratories, Mayo Clinic
Classification: Benign. Last evaluated: 2017-07-21. Review status: criteria provided, single submitter. Criteria: ACMG Guidelines, 2015. Collection method: clinical testing. Allele origin: germline. Observed: 235 variant alleles.

GeneDx
Classification: Benign. Last evaluated: 2016-02-04. Review status: criteria provided, single submitter. Criteria: GeneDx Variant Classification (06012015). Collection method: clinical testing. Allele origin: germline. Affected: yes.
Comment: This variant is considered likely benign or benign based on one or more of the following criteria: it is a conservative change, it occurs at a poorly conserved position in the protein, it is predicted to be benign by multiple in silico algorithms, and/or has population frequency not consistent with disease.

Genetic Services Laboratory, University of Chicago
Classification: Benign. Last evaluated: 2014-08-29. Review status: criteria provided, single submitter. Criteria: ACMG Guidelines, 2015. Collection method: clinical testing. Allele origin: germline.

Breakthrough Genomics
Classification: Benign. Review status: criteria provided, single submitter. Criteria: ACMG Guidelines, 2015. Collection method: not provided. Allele origin: germline. Inheritance: Autosomal recessive inheritance. Affected: yes.

PreventionGenetics, part of Exact Sciences
Classification: Benign. Review status: criteria provided, single submitter. Criteria: ACMG Guidelines, 2015. Collection method: clinical testing. Allele origin: germline.

NM_198576.4(AGRN):c.45G>T (p.Pro15=)

Gene: AGRN (agrin; plus strand). Cytogenetic location: 1p36.33.
Variant type: single nucleotide variant.
Coding change: c.45G>T on transcript NM_198576.4 (MANE Select); coding-DNA position 45, G replaced by T.
Protein change: p.Pro15=; no amino-acid change (proline 15 retained).
Molecular consequence: synonymous variant.
Genome position (GRCh38, 1-based): chr1:1,020,217, G>T. VCF-style: chr1-1020217-G-T. GRCh37 (hg19) VCF-style: chr1-955597-G-T.
Other names: p.Pro15=; c.45G>T (LRG_198t1); c.45G>T, p.Pro15= (NM_001305275.2).
Identifiers: ClinVar variation 128310 (VCV000128310.21), dbSNP rs115173026, ClinGen allele CA151663.